The following is an entry in ClinVar:

ClinVar aggregate classification (germline): Conflicting classifications of pathogenicity. Review status: criteria provided, conflicting classifications (1 of 4 stars). 4 submissions from 4 submitters: Uncertain significance (1); Likely benign (3). Last evaluated 2025-11-18.

Conditions:
Hereditary cancer-predisposing syndrome. Also called: Hereditary neoplastic syndrome; Hereditary Cancer Syndrome; Tumor predisposition; Neoplastic Syndromes, Hereditary. Identifiers: Orphanet 140162, MedGen C0027672, MeSH D009386, MONDO:0015356.
Neurofibromatosis, type 2 (SWNV). Also called: BILATERAL ACOUSTIC NEUROFIBROMATOSIS; SCHWANNOMATOSIS, VESTIBULAR; NF2-Related Schwannomatosis. Identifiers: Orphanet 637, MedGen C0027832, MONDO:0007039, OMIM 101000. Disease mechanism: loss of function.

Allele frequency attached by ClinVar (database versions not stated): ESP Exome Variant Server 0.00008; gnomAD exomes 0.00001; ExAC 0.00002.
gnomAD v4.1: 11 of 1,601,826 alleles (0.00069%); highest among the groups gnomAD compares: Non-Finnish European, 0.00094%; no homozygotes.

Submissions (4):

Labcorp Genetics (formerly Invitae), Labcorp
Classification: Likely benign for Neurofibromatosis, type 2. Last evaluated: 2025-11-18. Review status: criteria provided, single submitter. Criteria: Invitae Variant Classification Sherloc (09022015). Collection method: clinical testing. Allele origin: germline.

GeneDx
Classification: Uncertain significance. Last evaluated: 2021-12-03. Review status: criteria provided, single submitter. Criteria: GeneDx Variant Classification Process June 2021. Collection method: clinical testing. Allele origin: germline. Affected: yes.
Comment: In silico analysis supports that this variant does not alter splicing; Has not been previously published as pathogenic or benign to our knowledge

Genome-Nilou Lab
Classification: Likely benign for Neurofibromatosis, type 2. Last evaluated: 2021-11-07. Review status: criteria provided, single submitter. Criteria: ACMG Guidelines, 2015. Collection method: clinical testing. Allele origin: germline. Affected: no.

Ambry Genetics
Classification: Likely benign for Hereditary cancer-predisposing syndrome. Last evaluated: 2020-05-20. Review status: criteria provided, single submitter. Criteria: Ambry Variant Classification Scheme 2023. Collection method: clinical testing. Allele origin: germline.

NM_000268.4(NF2):c.36C>T (p.Ser12=)

Gene: NF2 (NF2, moesin-ezrin-radixin like (MERLIN) tumor suppressor; plus strand). Cytogenetic location: 22q12.2.
Variant type: single nucleotide variant.
Coding change: c.36C>T on transcript NM_000268.4 (MANE Select); coding-DNA position 36, C replaced by T.
Protein change: p.Ser12=; no amino-acid change (serine 12 retained).
Molecular consequence: synonymous variant. On other transcripts: non-coding transcript variant (1).
Genome position (GRCh38, 1-based): chr22:29,604,034, C>T. VCF-style: chr22-29604034-C-T. GRCh37 (hg19) VCF-style: chr22-30000023-C-T.
Other names: c.36C>T, p.Ser12= (NM_016418.5, NM_181825.3, NM_181828.3 and 5 more transcripts).
Identifiers: ClinVar variation 1157795 (VCV001157795.14), dbSNP rs371800843, ClinGen allele CA034503.